The following is an entry in ClinVar:

ClinVar aggregate classification (germline): Pathogenic (1 of 4 stars; one submission).

Conditions:
Maple syrup urine disease type 2 (MSUD2). Also called: Maple syrup urine disease, type II. Identifiers: MedGen C1855371, MONDO:0023693, OMIM 620699.

Submission:

Myriad Genetics, Inc.
Classification: Pathogenic for Maple syrup urine disease type 2. Last evaluated: 2026-04-04. Review status: criteria provided, single submitter. Criteria: Myriad Autosomal Dominant, Autosomal Recessive and X-Linked Classification Criteria (2023). Collection method: clinical testing. Allele origin: unknown.
Comment: NM_001918.3(DBT):c.709_710delGT(V237Sfs*43) is expected to be pathogenic in the context of maple syrup urine disease type II. This variant is predicted to lead to an abnormal or absent protein product due to the creation of a premature termination codon in DBT, a gene where loss-of-function variants are known to be pathogenic. Please note: this variant was assessed in the context of healthy population screening.

NM_001918.5(DBT):c.709_710del (p.Val237fs)

Gene: DBT (dihydrolipoamide branched chain transacylase E2; minus strand). Cytogenetic location: 1p21.2.
Variant type: Deletion.
Coding change: c.709_710del on transcript NM_001918.5 (MANE Select); coding-DNA positions 709 to 710, 2 bases deleted (GT; older notation c.709_710delGT).
Protein change: p.Val237fs; shifts the reading frame from valine 237.
Molecular consequence: frameshift variant. On other transcripts: non-coding transcript variant (3).
Genome position (GRCh38, 1-based): chr1:100,216,045-100,216,046, AC deleted on the plus strand (GT on the coding strand, the reverse complement: DBT is on the minus strand); deleting any 2 consecutive bases within chr1:100,216,045-100,216,047 gives the same sequence; the c. name uses the placement nearest the transcript's 3' end. VCF-style (leftmost placement, unchanged base first): chr1-100216044-AAC-A. GRCh37 (hg19) VCF-style: chr1-100681600-AAC-A.
Other names: c.166_167del, p.Val56fs (NM_001399969.1, NM_001399972.1); short protein forms V237fs, V56fs.
Identifiers: ClinVar variation 5015766 (VCV005015766.1).